The following is an entry in ClinVar:

NM_033448.3(KRT71):c.175G>C (p.Val59Leu)

Gene: KRT71 (keratin 71; minus strand). Cytogenetic location: 12q13.13.
Variant type: single nucleotide variant.
Coding change: c.175G>C on transcript NM_033448.3 (MANE Select); coding-DNA position 175, G replaced by C.
Protein change: p.Val59Leu; replaces valine 59 with leucine.
Molecular consequence: missense variant.
Genome position (GRCh38, 1-based): chr12:52,552,903, C>G on the plus strand (G>C on the coding strand, the complement: KRT71 is on the minus strand). VCF-style: chr12-52552903-C-G. GRCh37 (hg19) VCF-style: chr12-52946687-C-G.
Other names: short protein forms V59L.
Identifiers: ClinVar variation 4748867 (VCV004748867.1).

ClinVar aggregate classification (germline): Uncertain significance (1 of 4 stars; one submission).

gnomAD v4.1: 36 of 1,614,098 alleles (0.0022%); highest among the groups gnomAD compares: Non-Finnish European, 0.0031%; no homozygotes.

Submission:

Labcorp Genetics (formerly Invitae), Labcorp
Classification: Uncertain significance. Last evaluated: 2025-05-30. Review status: criteria provided, single submitter. Criteria: Invitae Variant Classification Sherloc (09022015). Collection method: clinical testing. Allele origin: germline.
Comment: This sequence change replaces valine, which is neutral and non-polar, with leucine, which is neutral and non-polar, at codon 59 of the KRT71 protein (p.Val59Leu). This variant is not present in population databases (gnomAD no frequency). This variant has not been reported in the literature in individuals affected with KRT71-related conditions. Invitae Evidence Modeling of protein sequence and biophysical properties (such as structural, functional, and spatial information, amino acid conservation, physicochemical variation, residue mobility, and thermodynamic stability) indicates that this missense variant is not expected to disrupt KRT71 protein function with a negative predictive value of 80%. In summary, the available evidence is currently insufficient to determine the role of this variant in disease. Therefore, it has been classified as a Variant of Uncertain Significance.